The following is an entry in ClinVar:

NM_000243.3(MEFV):c.409G>A (p.Gly137Ser)

Gene: MEFV (MEFV innate immunity regulator, pyrin; minus strand). Cytogenetic location: 16p13.3.
Variant type: single nucleotide variant.
Coding change: c.409G>A on transcript NM_000243.3 (MANE Select); coding-DNA position 409, G replaced by A.
Protein change: p.Gly137Ser; replaces glycine 137 with serine.
Molecular consequence: missense variant. On other transcripts: intron variant (1).
Genome position (GRCh38, 1-based): chr16:3,254,659, C>T on the plus strand (G>A on the coding strand, the complement: MEFV is on the minus strand). VCF-style: chr16-3254659-C-T. GRCh37 (hg19) VCF-style: chr16-3304659-C-T.
Other names: c.277+1652G>A (NM_001198536.2); short protein forms G137S.
Identifiers: ClinVar variation 1694343 (VCV001694343.7), dbSNP rs895839095, ClinGen allele CA394481710.

ClinVar aggregate classification (germline): Uncertain significance. Review status: criteria provided, multiple submitters, no conflicts (2 of 4 stars). 4 submissions from 4 submitters: Uncertain significance (4). Last evaluated 2024-11-13.

Conditions:
Inborn genetic diseases. Identifiers: MedGen C0950123, MeSH D030342.
Familial Mediterranean fever (FMF). Also called: POLYSEROSITIS, FAMILIAL PAROXYSMAL; POLYSEROSITIS, RECURRENT; Periodic peritonitis; Benign paroxysmal peritonitis. Identifiers: Orphanet 342, MedGen C0031069, MONDO:0018088, OMIM 249100. Disease mechanism: gain of function.
Autoinflammatory syndrome. Identifiers: Orphanet 93665, MedGen C3890737, MONDO:0019751.

Submissions (4):

Ambry Genetics
Classification: Uncertain significance for Inborn genetic diseases. Last evaluated: 2024-11-13. Review status: criteria provided, single submitter. Criteria: Ambry Variant Classification Scheme 2023. Collection method: clinical testing. Allele origin: germline.
Comment: The p.G137S variant (also known as c.409G>A), located in coding exon 2 of the MEFV gene, results from a G to A substitution at nucleotide position 409. The glycine at codon 137 is replaced by serine, an amino acid with similar properties. This amino acid position is conserved. In addition, in silico predictors for this gene do not accurately predict pathogenicity. Based on the available evidence, the clinical significance of this variant remains unclear.

ARUP Laboratories, Molecular Genetics and Genomics, ARUP Laboratories
Classification: Uncertain significance. Last evaluated: 2024-01-23. Review status: criteria provided, single submitter. Criteria: ARUP Molecular Germline Variant Investigation Process 2024. Collection method: clinical testing. Allele origin: germline.
Comment: The MEFV c.409G>A; p.Gly137Ser variant (rs895839095), to our knowledge, is not reported in the medical literature but is reported in ClinVar (Variation ID: 1694343). This variant is only found on three alleles in the Genome Aggregation Database (v2.1.1), indicating it is not a common polymorphism. Computational analyses are uncertain whether this variant is neutral or deleterious (REVEL: 0.273). Due to limited information, the clinical significance of this variant is uncertain at this time.

Labcorp Genetics (formerly Invitae), Labcorp
Classification: Uncertain significance for Familial Mediterranean fever. Last evaluated: 2022-02-18. Review status: criteria provided, single submitter. Criteria: Invitae Variant Classification Sherloc (09022015). Collection method: clinical testing. Allele origin: germline.
Comment: This sequence change replaces glycine, which is neutral and non-polar, with serine, which is neutral and polar, at codon 137 of the MEFV protein (p.Gly137Ser). This variant is present in population databases (no rsID available, gnomAD 0.002%). This variant has not been reported in the literature in individuals affected with MEFV-related conditions. Algorithms developed to predict the effect of missense changes on protein structure and function (SIFT, PolyPhen-2, Align-GVGD) all suggest that this variant is likely to be tolerated. In summary, the available evidence is currently insufficient to determine the role of this variant in disease. Therefore, it has been classified as a Variant of Uncertain Significance.

Genome Diagnostics Laboratory, The Hospital for Sick Children
Classification: Uncertain significance for Autoinflammatory syndrome. Last evaluated: 2020-07-01. Review status: criteria provided, single submitter. Criteria: ACMG Guidelines, 2015. Collection method: clinical testing. Allele origin: germline. Affected: yes.